The following is an entry in ClinVar:

ClinVar aggregate classification (germline): Conflicting classifications of pathogenicity. Review status: criteria provided, conflicting classifications (1 of 4 stars). 4 submissions from 4 submitters: Uncertain significance (1); Likely benign (3). Last evaluated 2025-05-05.

Conditions:
Myofibrillar myopathy 4. Also called: Zaspopathy (type). Identifiers: Orphanet 98912, MedGen C4721886, MONDO:0012277, OMIM 609452.

gnomAD v4.1: 8 of 1,614,116 alleles (0.0005%); highest among the groups gnomAD compares: South Asian, 0.0011%; no homozygotes.

Submissions (4):

Women's Health and Genetics/Laboratory Corporation of America, LabCorp
Classification: Likely benign. Last evaluated: 2025-05-05. Review status: criteria provided, single submitter. Criteria: LabCorp Variant Classification Summary - May 2015. Collection method: clinical testing. Allele origin: germline.

Labcorp Genetics (formerly Invitae), Labcorp
Classification: Likely benign for Myofibrillar myopathy 4. Last evaluated: 2023-05-22. Review status: criteria provided, single submitter. Criteria: Invitae Variant Classification Sherloc (09022015). Collection method: clinical testing. Allele origin: germline.

GeneDx
Classification: Likely benign. Last evaluated: 2017-08-17. Review status: criteria provided, single submitter. Criteria: GeneDx Variant Classification (06012015). Collection method: clinical testing. Allele origin: germline. Affected: yes.
Comment: This variant is considered likely benign or benign based on one or more of the following criteria: it is a conservative change, it occurs at a poorly conserved position in the protein, it is predicted to be benign by multiple in silico algorithms, and/or has population frequency not consistent with disease.

Laboratory for Molecular Medicine, Mass General Brigham Personalized Medicine
Classification: Uncertain significance. Last evaluated: 2014-01-02. Review status: criteria provided, single submitter. Criteria: LMM Criteria. Collection method: clinical testing. Allele origin: germline. Observed: 2 variant alleles.
Comment: The 860-15C>T variant in LDB3 has not been previously reported in individuals wi th cardiomyopathy or in large population studies (European American and African American cohorts). This variant is located in the 3' splice region. Computationa l tools do not predict an impact to splicing, though this information is not pre dictive enough to rule out pathogenicity. Additional information is needed to fu lly assess the clinical significance of this variant.

NM_007078.3(LDB3):c.860-15C>T

Gene: LDB3 (LIM domain binding 3; plus strand). Cytogenetic location: 10q23.2.
Variant type: single nucleotide variant.
Coding change: c.860-15C>T on transcript NM_007078.3 (MANE Select); 15 bases into the intron before coding-DNA position 860, C replaced by T.
Molecular consequence: intron variant.
Genome position (GRCh38, 1-based): chr10:86,692,520, C>T. VCF-style: chr10-86692520-C-T. GRCh37 (hg19) VCF-style: chr10-88452277-C-T.
Other names: c.860-15C>T (NM_001368064.1, NM_001368063.1, NM_001368065.1 and 1 more transcripts); c.719-15C>T (NM_001368068.1, NM_001368066.1, NM_001080114.2 and 2 more transcripts); c.1064-15C>T (NM_001171610.2, NM_001171611.2).
Identifiers: ClinVar variation 163841 (VCV000163841.14), dbSNP rs727503126, ClinGen allele CA176549.